The following is an entry in ClinVar:

ClinVar aggregate classification (germline): Uncertain significance (1 of 4 stars; one submission).

Conditions:
Baller-Gerold syndrome (BGS). Also called: CRANIOSYNOSTOSIS WITH RADIAL DEFECTS. Identifiers: Orphanet 1225, MedGen C0265308, MONDO:0009039, OMIM 218600.

Submission:

Labcorp Genetics (formerly Invitae), Labcorp
Classification: Uncertain significance for Baller-Gerold syndrome. Last evaluated: 2019-06-01. Review status: criteria provided, single submitter. Criteria: Invitae Variant Classification Sherloc (09022015). Collection method: clinical testing. Allele origin: germline.
Comment: In summary, the available evidence is currently insufficient to determine the role of this variant in disease. Therefore, it has been classified as a Variant of Uncertain Significance. Algorithms developed to predict the effect of missense changes on protein structure and function do not agree on the potential impact of this missense change (SIFT: "Deleterious"; PolyPhen-2: "Benign"; Align-GVGD: "Class C0"). This variant has not been reported in the literature in individuals with RECQL4-related disease. This variant is not present in population databases (ExAC no frequency). This sequence change replaces glutamine with arginine at codon 1138 of the RECQL4 protein (p.Gln1138Arg). The glutamine residue is highly conserved and there is a small physicochemical difference between glutamine and arginine.

NM_004260.4(RECQL4):c.3413A>G (p.Gln1138Arg)

Gene: RECQL4 (RecQ like helicase 4; minus strand). Cytogenetic location: 8q24.3.
Variant type: single nucleotide variant.
Coding change: c.3413A>G on transcript NM_004260.4 (MANE Select); coding-DNA position 3413, A replaced by G.
Protein change: p.Gln1138Arg; replaces glutamine 1138 with arginine.
Molecular consequence: missense variant.
Genome position (GRCh38, 1-based): chr8:144,511,770, T>C on the plus strand (A>G on the coding strand, the complement: RECQL4 is on the minus strand). VCF-style: chr8-144511770-T-C. GRCh37 (hg19) VCF-style: chr8-145737153-T-C.
Other names: short protein forms Q1138R.
Identifiers: ClinVar variation 528943 (VCV000528943.6), dbSNP rs1554895884, ClinGen allele CA372667450.